The following is an entry in ClinVar:

NM_017551.3(GRID1):c.1585G>A (p.Val529Ile)

Gene: GRID1 (glutamate ionotropic receptor delta type subunit 1; minus strand). Cytogenetic location: 10q23.1.
Variant type: single nucleotide variant.
Coding change: c.1585G>A on transcript NM_017551.3 (MANE Select); coding-DNA position 1585, G replaced by A.
Protein change: p.Val529Ile; replaces valine 529 with isoleucine.
Molecular consequence: missense variant.
Genome position (GRCh38, 1-based): chr10:85,724,625, C>T on the plus strand (G>A on the coding strand, the complement: GRID1 is on the minus strand). VCF-style: chr10-85724625-C-T. GRCh37 (hg19) VCF-style: chr10-87484382-C-T.
Other names: short protein forms V529I.
Identifiers: ClinVar variation 1249619 (VCV001249619.3), dbSNP rs2306265, ClinGen allele CA5582647.

ClinVar aggregate classification (germline): Benign. Review status: criteria provided, multiple submitters, no conflicts (2 of 4 stars). 2 submissions from 2 submitters: Benign (2). Last evaluated 2018-07-13.

Allele frequency attached by ClinVar (database versions not stated): ESP Exome Variant Server 0.01515; TOPMed 0.01546; gnomAD 0.01732 and 0.01821; 1000 Genomes Project 30x 0.02233; 1000 Genomes Project 0.02316.

Submissions (2):

GeneDx
Classification: Benign. Last evaluated: 2018-07-13. Review status: criteria provided, single submitter. Criteria: GeneDx Variant Classification Process June 2021. Collection method: clinical testing. Allele origin: germline. Affected: yes.
Comment: This variant is associated with the following publications: (PMID: 29248581)

Breakthrough Genomics
Classification: Benign. Review status: criteria provided, single submitter. Criteria: ACMG Guidelines, 2015. Collection method: not provided. Allele origin: germline. Inheritance: Unknown mechanism. Affected: yes.